The following is an entry in ClinVar:

NM_003850.3(SUCLA2):c.664-12T>G

Gene: SUCLA2 (succinate-CoA ligase ADP-forming subunit beta; minus strand). Cytogenetic location: 13q14.2.
Variant type: single nucleotide variant.
Coding change: c.664-12T>G on transcript NM_003850.3 (MANE Select); 12 bases into the intron before coding-DNA position 664, T replaced by G.
Molecular consequence: intron variant.
Genome position (GRCh38, 1-based): chr13:47,968,745, A>C on the plus strand (T>G on the coding strand, the complement: SUCLA2 is on the minus strand). VCF-style: chr13-47968745-A-C. GRCh37 (hg19) VCF-style: chr13-48542880-A-C.
Identifiers: ClinVar variation 2019435 (VCV002019435.4), dbSNP rs1251657319, ClinGen allele CA698640814.

ClinVar aggregate classification (germline): Uncertain significance (1 of 4 stars; one submission).

Conditions:
Mitochondrial DNA depletion syndrome, encephalomyopathic form with methylmalonic aciduria (MTDPS5). Also called: MITOCHONDRIAL DNA DEPLETION SYNDROME, ENCEPHALOMYOPATHIC FORM, WITH OR WITHOUT METHYLMALONIC ACIDURIA, AUTOSOMAL RECESSIVE, SUCLA2-RELATED; Mitochondrial DNA depletion syndrome 5 (encephalomyopathic with or without methylmalonic aciduria); SUCLA2-Related Mitochondrial DNA Depletion Syndrome, Encephalomyopathic Form with Methylmalonic Aciduria; Mitochondrial encephalomyopathy aminoacidopathy. Identifiers: Orphanet 1933, MedGen C5980207, MONDO:0012791, OMIM 612073.

Submission:

Labcorp Genetics (formerly Invitae), Labcorp
Classification: Uncertain significance for Mitochondrial DNA depletion syndrome, encephalomyopathic form with methylmalonic aciduria. Last evaluated: 2022-05-25. Review status: criteria provided, single submitter. Criteria: Invitae Variant Classification Sherloc (09022015). Collection method: clinical testing. Allele origin: germline.
Comment: In summary, the available evidence is currently insufficient to determine the role of this variant in disease. Therefore, it has been classified as a Variant of Uncertain Significance. Algorithms developed to predict the effect of sequence changes on RNA splicing suggest that this variant may disrupt the consensus splice site. This variant has not been reported in the literature in individuals affected with SUCLA2-related conditions. This variant is not present in population databases (gnomAD no frequency). This sequence change falls in intron 5 of the SUCLA2 gene. It does not directly change the encoded amino acid sequence of the SUCLA2 protein.